The following is an entry in ClinVar:

ClinVar aggregate classification (germline): Uncertain significance. Review status: criteria provided, multiple submitters, no conflicts (2 of 4 stars). 2 submissions from 2 submitters: Uncertain significance (2). Last evaluated 2025-03-22.

Allele frequency attached by ClinVar (database versions not stated): ESP Exome Variant Server 0.00008; ExAC 0.00009; TOPMed 0.00006; gnomAD 0.00003; gnomAD exomes 0.00004; 1000 Genomes Project 0.00020; 1000 Genomes Project 30x 0.00031.
gnomAD v4.1: 56 of 1,612,148 alleles (0.0035%); highest among the groups gnomAD compares: South Asian, 0.0088%; 1 homozygote.

Submissions (2):

Ambry Genetics
Classification: Uncertain significance. Last evaluated: 2025-03-22. Review status: criteria provided, single submitter. Criteria: Ambry Variant Classification Scheme 2023. Collection method: clinical testing. Allele origin: germline.

Labcorp Genetics (formerly Invitae), Labcorp
Classification: Uncertain significance. Last evaluated: 2024-10-29. Review status: criteria provided, single submitter. Criteria: Invitae Variant Classification Sherloc (09022015). Collection method: clinical testing. Allele origin: germline.
Comment: This sequence change replaces arginine, which is basic and polar, with histidine, which is basic and polar, at codon 377 of the NUP62 protein (p.Arg377His). This variant is present in population databases (rs143977055, gnomAD 0.009%). This variant has not been reported in the literature in individuals affected with NUP62-related conditions. ClinVar contains an entry for this variant (Variation ID: 2892282). An algorithm developed to predict the effect of missense changes on protein structure and function (PolyPhen-2) suggests that this variant is likely to be tolerated. In summary, the available evidence is currently insufficient to determine the role of this variant in disease. Therefore, it has been classified as a Variant of Uncertain Significance.

NM_016553.5(NUP62):c.1130G>A (p.Arg377His)

Genes: IL4I1 (interleukin 4 induced 1; minus strand), NUP62 (nucleoporin 62; minus strand). Cytogenetic location: 19q13.33.
Variant type: single nucleotide variant.
Coding change: c.1130G>A on transcript NM_016553.5 (MANE Select); coding-DNA position 1130, G replaced by A.
Protein change: p.Arg377His; replaces arginine 377 with histidine.
Molecular consequence: missense variant. On other transcripts: intron variant (3).
Genome position (GRCh38, 1-based): chr19:49,908,678, C>T on the plus strand (G>A on the coding strand, the complement: NUP62 is on the minus strand). VCF-style: chr19-49908678-C-T. GRCh37 (hg19) VCF-style: chr19-50411935-C-T.
Other names: c.1130G>A, p.Arg377His (NM_001193357.2, NM_012346.5, NM_153718.4 and 1 more transcripts); c.-227-4357G>A (NM_001258017.2, NM_172374.3); c.-285-4357G>A (NM_001258018.2); short protein forms R377H.
Identifiers: ClinVar variation 2892282 (VCV002892282.5), dbSNP rs143977055, ClinGen allele CA9588945.